The following is an entry in ClinVar:

ClinVar aggregate classification (germline): Conflicting classifications of pathogenicity. Review status: criteria provided, conflicting classifications (1 of 4 stars). 7 submissions from 7 submitters: Uncertain significance (1); Benign (2); Likely benign (3). 1 of the submissions does not count toward it. Last evaluated 2025-11-15.

Conditions:
Cardiovascular phenotype. Identifiers: MedGen CN230736.
COL1A2-related disorder. Also called: COL1A2-related condition; COL1A2-Related Disorders.
Ehlers-Danlos syndrome, classic type, 1 (EDSCL1). Also called: Ehlers-Danlos Syndrome, Classic Type, COL5A1-Related; EDS I; Ehlers-Danlos syndrome, type 1; EHLERS-DANLOS SYNDROME, GRAVIS TYPE; EHLERS-DANLOS SYNDROME, SEVERE CLASSIC TYPE. Identifiers: MedGen C0268335, MONDO:0019567, OMIM 130000.
Osteogenesis imperfecta type I (OI1). Also called: Lobstein disease; Classic Non-deforming Osteogenesis Imperfecta with Blue Sclerae; OI, TYPE I; OSTEOGENESIS IMPERFECTA TARDA; OSTEOGENESIS IMPERFECTA WITH BLUE SCLERAE; Osteogenesis imperfecta type 1. Identifiers: Orphanet 216796, Orphanet 666, MedGen C0023931, MONDO:0008146, OMIM 166200. Disease mechanism: loss of function.
Ehlers-Danlos syndrome (EDS). Identifiers: Orphanet 98249, MedGen C0013720, MONDO:0020066.

Allele frequency attached by ClinVar (database versions not stated): gnomAD exomes 0.00009 and 0.00007; gnomAD 0.00023 and 0.00024; ESP Exome Variant Server 0.00031; 1000 Genomes Project 0.00060; TOPMed 0.00024; 1000 Genomes Project 30x 0.00047; ExAC 0.00012.
gnomAD v4.1: 137 of 1,614,136 alleles (0.0085%); highest among the groups gnomAD compares: African/African-American, 0.073%; no homozygotes.

Submissions (7):

Labcorp Genetics (formerly Invitae), Labcorp
Classification: Likely benign for Osteogenesis imperfecta type I; Ehlers-Danlos syndrome, classic type, 1. Last evaluated: 2025-11-15. Review status: criteria provided, single submitter. Criteria: Invitae Variant Classification Sherloc (09022015). Collection method: clinical testing. Allele origin: germline.

Women's Health and Genetics/Laboratory Corporation of America, LabCorp
Classification: Benign. Last evaluated: 2024-12-06. Review status: criteria provided, single submitter. Criteria: LabCorp Variant Classification Summary - May 2015. Collection method: clinical testing. Allele origin: germline.

ARUP Laboratories, Molecular Genetics and Genomics, ARUP Laboratories
Classification: Benign. Last evaluated: 2023-03-10. Review status: criteria provided, single submitter. Criteria: ARUP Molecular Germline Variant Investigation Process 2024. Collection method: clinical testing. Allele origin: germline.

GeneDx
Classification: Likely benign. Last evaluated: 2020-09-02. Review status: criteria provided, single submitter. Criteria: GeneDx Variant Classification Process June 2021. Collection method: clinical testing. Allele origin: germline. Affected: yes.

Ambry Genetics
Classification: Likely benign for Cardiovascular phenotype. Last evaluated: 2019-05-27. Review status: criteria provided, single submitter. Criteria: Ambry Variant Classification Scheme 2023. Collection method: clinical testing. Allele origin: germline.

Genome Diagnostics Laboratory, The Hospital for Sick Children
Classification: Uncertain significance for Ehlers-Danlos syndrome. Last evaluated: 2019-02-01. Review status: criteria provided, single submitter. Criteria: ACMG Guidelines, 2015. Collection method: clinical testing. Allele origin: germline.

PreventionGenetics, part of Exact Sciences
Classification: Likely benign for COL1A2-related condition. Last evaluated: 2019-05-23. Review status: no assertion criteria provided. Collection method: clinical testing. Allele origin: germline. Not counted in ClinVar's aggregate classification.
Comment: This variant is classified as likely benign based on ACMG/AMP sequence variant interpretation guidelines (Richards et al. 2015 PMID: 25741868, with internal and published modifications).

NM_000089.4(COL1A2):c.945C>T (p.Pro315=)

Gene: COL1A2 (collagen type I alpha 2 chain; plus strand). Cytogenetic location: 7q21.3.
Variant type: single nucleotide variant.
Coding change: c.945C>T on transcript NM_000089.4 (MANE Select); coding-DNA position 945, C replaced by T.
Protein change: p.Pro315=; no amino-acid change (proline 315 retained).
Molecular consequence: synonymous variant.
Genome position (GRCh38, 1-based): chr7:94,409,731, C>T. VCF-style: chr7-94409731-C-T. GRCh37 (hg19) VCF-style: chr7-94039043-C-T.
Identifiers: ClinVar variation 35959 (VCV000035959.23), dbSNP rs147058179, ClinGen allele CA260392.